The following is an entry in ClinVar:

ClinVar aggregate classification (germline): Likely benign (1 of 4 stars; one submission).

Conditions:
FOXE1-related disorder. Also called: FOXE1-related condition.

Submission:

PreventionGenetics, part of Exact Sciences
Classification: Likely benign for FOXE1-related condition. Last evaluated: 2026-07-12. Review status: criteria provided, single submitter. Criteria: ACMG Guidelines, 2015. Collection method: clinical testing. Allele origin: germline.
Comment: This variant is classified as likely benign based on ACMG/AMP sequence variant interpretation guidelines (Richards et al. 2015 PMID: 25741868, with internal and published modifications).

NM_004473.4(FOXE1):c.75G>T (p.Thr25=)

Gene: FOXE1 (forkhead box E1; plus strand). Cytogenetic location: 9q22.33.
Variant type: single nucleotide variant.
Coding change: c.75G>T on transcript NM_004473.4 (MANE Select); coding-DNA position 75, G replaced by T.
Protein change: p.Thr25=; no amino-acid change (threonine 25 retained).
Molecular consequence: synonymous variant.
Genome position (GRCh38, 1-based): chr9:97,853,989, G>T. VCF-style: chr9-97853989-G-T. GRCh37 (hg19) VCF-style: chr9-100616271-G-T.
Identifiers: ClinVar variation 4985389 (VCV004985389.1).